The following is an entry in ClinVar:

NM_001376.5(DYNC1H1):c.5079T>C (p.Thr1693=)

Gene: DYNC1H1 (dynein cytoplasmic 1 heavy chain 1; plus strand). Cytogenetic location: 14q32.31.
Variant type: single nucleotide variant.
Coding change: c.5079T>C on transcript NM_001376.5 (MANE Select); coding-DNA position 5079, T replaced by C.
Protein change: p.Thr1693=; no amino-acid change (threonine 1693 retained).
Molecular consequence: synonymous variant.
Genome position (GRCh38, 1-based): chr14:102,004,791, T>C. VCF-style: chr14-102004791-T-C. GRCh37 (hg19) VCF-style: chr14-102471128-T-C.
Identifiers: ClinVar variation 3032466 (VCV003032466.2), dbSNP rs2503738785, ClinGen allele CA488184313.

ClinVar aggregate classification (germline): Likely benign (0 of 4 stars; one submission).

Conditions:
DYNC1H1-related disorder. Also called: DYNC1H1-related disorders; DYNC1H1-related condition. Identifiers: MedGen CN381529.

Allele frequency attached by ClinVar (database versions not stated): gnomAD exomes below 0.00001.
gnomAD v4.1: 4 of 1,614,240 alleles (0.00025%); highest among the groups gnomAD compares: Non-Finnish European, 0.00034%; no homozygotes.

Submission:

PreventionGenetics, part of Exact Sciences
Classification: Likely benign for DYNC1H1-related condition. Last evaluated: 2020-08-25. Review status: no assertion criteria provided. Collection method: clinical testing. Allele origin: germline.
Comment: This variant is classified as likely benign based on ACMG/AMP sequence variant interpretation guidelines (Richards et al. 2015 PMID: 25741868, with internal and published modifications).